The following is an entry in ClinVar:

NM_144997.7(FLCN):c.586ATC[1] (p.Ile197del)

Gene: FLCN (folliculin; minus strand). Cytogenetic location: 17p11.2.
Variant type: Microsatellite.
Coding change: c.586ATC[1] on transcript NM_144997.7 (MANE Select); one copy of the 3-base unit ATC starting at c.586; the reference has two copies in a row; one copy, 3 bases deleted.
Protein change: p.Ile197del; deletes isoleucine 197.
Molecular consequence: inframe deletion.
Genome position (GRCh38, 1-based): chr17:17,223,949-17,223,951, GAT deleted on the plus strand (ATC on the coding strand, the reverse complement: FLCN is on the minus strand); deleting any 3 consecutive bases within chr17:17,223,949-17,223,954 gives the same sequence; the position shown is the placement nearest the transcript's 3' end. VCF-style (leftmost placement, unchanged base first): chr17-17223948-CGAT-C. GRCh37 (hg19) VCF-style: chr17-17127262-CGAT-C.
Other names: c.640ATC[1], p.Ile215del (NM_001353229.2); c.586ATC[1], p.Ile197del (NM_001353230.2, NM_001353231.2, NM_144606.7); short protein forms I215del, I197del.
Identifiers: ClinVar variation 2090609 (VCV002090609.4), dbSNP rs2544251455, ClinGen allele CA2580614020.
Genomic context (GRCh38, chr17:17,223,948, plus strand): 5'-CCCTGCCGCCCCGGCACCTCATCTCTGAATTCACCTTGAGCGCCTTGCCCTGGAGCTCAT[CGAT>C]GATTCCCCGGACCTTCCCCAGCAGGAAGGGCCAGGAGTTGATGAGGTAGATCCGGTCCAT-3'

ClinVar aggregate classification (germline): Uncertain significance (1 of 4 stars; one submission).

Conditions:
Birt-Hogg-Dube syndrome. Also called: Birt Hogg Dubé syndrome. Identifiers: Orphanet 122, MedGen C0346010, MONDO:0800444.

Submission:

Labcorp Genetics (formerly Invitae), Labcorp
Classification: Uncertain significance for Birt-Hogg-Dube syndrome. Last evaluated: 2022-01-28. Review status: criteria provided, single submitter. Criteria: Invitae Variant Classification Sherloc (09022015). Collection method: clinical testing. Allele origin: germline.
Comment: In summary, the available evidence is currently insufficient to determine the role of this variant in disease. Therefore, it has been classified as a Variant of Uncertain Significance. Experimental studies and prediction algorithms are not available or were not evaluated, and the functional significance of this variant is currently unknown. This variant has not been reported in the literature in individuals affected with FLCN-related conditions. This variant is not present in population databases (gnomAD no frequency). This variant, c.589_591del, results in the deletion of 1 amino acid(s) of the FLCN protein (p.Ile197del), but otherwise preserves the integrity of the reading frame.